The following is an entry in ClinVar:

NM_015559.3(SETBP1):c.1307C>T (p.Ala436Val)

Gene: SETBP1 (SET binding protein 1; plus strand). Cytogenetic location: 18q12.3.
Variant type: single nucleotide variant.
Coding change: c.1307C>T on transcript NM_015559.3 (MANE Select); coding-DNA position 1307, C replaced by T.
Protein change: p.Ala436Val; replaces alanine 436 with valine.
Molecular consequence: missense variant.
Genome position (GRCh38, 1-based): chr18:44,950,647, C>T. VCF-style: chr18-44950647-C-T. GRCh37 (hg19) VCF-style: chr18-42530612-C-T.
Other names: c.1307C>T, p.Ala436Val (NM_001379141.1, NM_001379142.1, NM_001410862.1); short protein forms A436V.
Identifiers: ClinVar variation 1806828 (VCV001806828.5), dbSNP rs2511467085, ClinGen allele CA402318250.

ClinVar aggregate classification (germline): Uncertain significance. Review status: criteria provided, multiple submitters, no conflicts (2 of 4 stars). 3 submissions from 3 submitters: Uncertain significance (3). Last evaluated 2026-03-11.

Conditions:
Inborn genetic diseases. Identifiers: MedGen C0950123, MeSH D030342.

Allele frequency attached by ClinVar (database versions not stated): gnomAD exomes below 0.00001.
gnomAD v4.1: 1 of 1,614,116 alleles (0.000062%); highest among the groups gnomAD compares: Non-Finnish European, 0.000085%; no homozygotes.

Submissions (3):

Ambry Genetics
Classification: Uncertain significance for Inborn genetic diseases. Last evaluated: 2026-03-11. Review status: criteria provided, single submitter. Criteria: Ambry Variant Classification Scheme 2023. Collection method: clinical testing. Allele origin: germline.

Labcorp Genetics (formerly Invitae), Labcorp
Classification: Uncertain significance. Last evaluated: 2023-03-22. Review status: criteria provided, single submitter. Criteria: Invitae Variant Classification Sherloc (09022015). Collection method: clinical testing. Allele origin: germline.
Comment: This variant is not present in population databases (gnomAD no frequency). This sequence change replaces alanine, which is neutral and non-polar, with valine, which is neutral and non-polar, at codon 436 of the SETBP1 protein (p.Ala436Val). This variant has not been reported in the literature in individuals affected with SETBP1-related conditions. ClinVar contains an entry for this variant (Variation ID: 1806828). Advanced modeling of protein sequence and biophysical properties (such as structural, functional, and spatial information, amino acid conservation, physicochemical variation, residue mobility, and thermodynamic stability) performed at Invitae indicates that this missense variant is not expected to disrupt SETBP1 protein function. In summary, the available evidence is currently insufficient to determine the role of this variant in disease. Therefore, it has been classified as a Variant of Uncertain Significance.

GeneDx
Classification: Uncertain significance. Last evaluated: 2022-06-22. Review status: criteria provided, single submitter. Criteria: GeneDx Variant Classification Process June 2021. Collection method: clinical testing. Allele origin: germline. Affected: yes.
Comment: Not observed at significant frequency in large population cohorts (gnomAD); In silico analysis supports that this missense variant does not alter protein structure/function; Has not been previously published as pathogenic or benign to our knowledge